The following is an entry in ClinVar:

ClinVar aggregate classification (germline): Pathogenic/Likely pathogenic. Review status: criteria provided, multiple submitters, no conflicts (2 of 4 stars). 6 submissions from 6 submitters: Pathogenic (4); Likely pathogenic (2). Last evaluated 2026-04-15.

Conditions:
Bloom syndrome (BLM). Also called: Bloom-Torre-Machacek syndrome. Identifiers: Orphanet 125, MedGen C0005859, MONDO:0008876, OMIM 210900.
Hereditary cancer-predisposing syndrome. Also called: Neoplastic Syndromes, Hereditary; Tumor predisposition; Hereditary neoplastic syndrome; Hereditary Cancer Syndrome. Identifiers: Orphanet 140162, MedGen C0027672, MeSH D009386, MONDO:0015356.

Submissions (6):

Myriad Genetics, Inc.
Classification: Pathogenic for Bloom syndrome. Last evaluated: 2026-04-15. Review status: criteria provided, single submitter. Criteria: Myriad Autosomal Dominant, Autosomal Recessive and X-Linked Classification Criteria (2023). Collection method: clinical testing. Allele origin: unknown.
Comment: This variant is considered pathogenic. This variant creates a frameshift predicted to result in premature protein truncation.

GeneDx
Classification: Likely pathogenic. Last evaluated: 2023-11-25. Review status: criteria provided, single submitter. Criteria: GeneDx Variant Classification Process June 2021. Collection method: clinical testing. Allele origin: germline. Affected: yes.
Comment: Frameshift variant predicted to result in protein truncation or nonsense mediated decay in a gene for which loss of function is a known mechanism of disease; Not observed at significant frequency in large population cohorts (gnomAD); Observed in an individual with a congenital heart defect in published literature (PMID: 33084842); This variant is associated with the following publications: (PMID: 33084842)

Baylor Genetics
Classification: Likely pathogenic for Bloom syndrome. Last evaluated: 2023-11-14. Review status: criteria provided, single submitter. Criteria: ACMG Guidelines, 2015. Collection method: clinical testing. Allele origin: unknown.

Labcorp Genetics (formerly Invitae), Labcorp
Classification: Pathogenic for Bloom syndrome. Last evaluated: 2023-08-24. Review status: criteria provided, single submitter. Criteria: Invitae Variant Classification Sherloc (09022015). Collection method: clinical testing. Allele origin: germline.
Comment: This sequence change creates a premature translational stop signal (p.Arg545Lysfs*13) in the BLM gene. It is expected to result in an absent or disrupted protein product. Loss-of-function variants in BLM are known to be pathogenic (PMID: 17407155). This variant is not present in population databases (gnomAD no frequency). This variant has not been reported in the literature in individuals affected with BLM-related conditions. ClinVar contains an entry for this variant (Variation ID: 856945). For these reasons, this variant has been classified as Pathogenic.

Mendelics
Classification: Pathogenic for Bloom syndrome. Last evaluated: 2022-05-04. Review status: criteria provided, single submitter. Criteria: Mendelics Assertion Criteria 2019. Collection method: clinical testing. Allele origin: germline.

Ambry Genetics
Classification: Pathogenic for Hereditary cancer-predisposing syndrome. Last evaluated: 2022-04-06. Review status: criteria provided, single submitter. Criteria: Ambry Variant Classification Scheme 2023. Collection method: clinical testing. Allele origin: germline.
Comment: The c.1632_1635delAAGA pathogenic mutation, located in coding exon 6 of the BLM gene, results from a deletion of 4 nucleotides at nucleotide positions 1632 to 1635, causing a translational frameshift with a predicted alternate stop codon (p.R545Kfs*13). This variant is considered to be rare based on population cohorts in the Genome Aggregation Database (gnomAD). This alteration is expected to result in loss of function by premature protein truncation or nonsense-mediated mRNA decay. As such, this alteration is interpreted as a disease-causing mutation.

Literature cited by the submitters: PubMed 17407155 (cited by Labcorp Genetics (formerly Invitae), Labcorp).

NM_000057.4(BLM):c.1632_1635del (p.Arg545fs)

Gene: BLM (BLM RecQ like helicase; plus strand). Cytogenetic location: 15q26.1.
Variant type: Deletion.
Coding change: c.1632_1635del on transcript NM_000057.4 (MANE Select); coding-DNA positions 1632 to 1635, 4 bases deleted (AAGA; older notation c.1632_1635delAAGA).
Protein change: p.Arg545fs; shifts the reading frame from arginine 545.
Molecular consequence: frameshift variant.
Genome position (GRCh38, 1-based): chr15:90,761,005-90,761,008, AAGA deleted; deleting any 4 consecutive bases within chr15:90,761,002-90,761,008 gives the same sequence; the c. name uses the placement nearest the transcript's 3' end. VCF-style (leftmost placement, unchanged base first): chr15-90761001-TAGAA-T. GRCh37 (hg19) VCF-style: chr15-91304231-TAGAA-T.
Other names: c.1632_1635del, p.Arg545fs (NM_001287246.2, NM_001287247.2); c.507_510del, p.Arg170fs (NM_001287248.2); c.1632_1635del (NM_000057.2); short protein forms R170fs, R545fs.
Identifiers: ClinVar variation 856945 (VCV000856945.14), dbSNP rs1205301894, ClinGen allele CA717017621.